The following is an entry in ClinVar:

NM_194248.3(OTOF):c.4776C>A (p.Cys1592Ter)

Gene: OTOF (otoferlin; minus strand). Cytogenetic location: 2p23.3.
Variant type: single nucleotide variant.
Coding change: c.4776C>A on transcript NM_194248.3 (MANE Select); coding-DNA position 4776, C replaced by A.
Protein change: p.Cys1592Ter; replaces cysteine 1592 with a stop codon.
Molecular consequence: nonsense.
Genome position (GRCh38, 1-based): chr2:26,465,695, G>T on the plus strand (C>A on the coding strand, the complement: OTOF is on the minus strand). VCF-style: chr2-26465695-G-T. GRCh37 (hg19) VCF-style: chr2-26688563-G-T.
Other names: c.4776C>A, p.Cys1592Ter (NM_001287489.2); c.2475C>A, p.Cys825Ter (NM_004802.4, NM_194323.3); c.2706C>A, p.Cys902Ter (NM_194322.3); short protein forms C825*, C902*, C1592*.
Identifiers: ClinVar variation 2849322 (VCV002849322.3), dbSNP rs372324595, ClinGen allele CA1563050.

ClinVar aggregate classification (germline): Pathogenic (1 of 4 stars; one submission).

gnomAD v4.1: 6 of 1,614,274 alleles (0.00037%); highest among the groups gnomAD compares: Non-Finnish European, 0.00042%; no homozygotes.

Submission:

Labcorp Genetics (formerly Invitae), Labcorp
Classification: Pathogenic. Last evaluated: 2023-08-19. Review status: criteria provided, single submitter. Criteria: Invitae Variant Classification Sherloc (09022015). Collection method: clinical testing. Allele origin: germline.
Comment: This sequence change creates a premature translational stop signal (p.Cys1592*) in the OTOF gene. It is expected to result in an absent or disrupted protein product. Loss-of-function variants in OTOF are known to be pathogenic (PMID: 18381613, 19250381, 22575033). This variant is present in population databases (rs372324595, gnomAD 0.003%). For these reasons, this variant has been classified as Pathogenic. This variant has not been reported in the literature in individuals affected with OTOF-related conditions.

Literature cited by the submitters: PubMed 18381613; PubMed 19250381; PubMed 22575033.